The following is an entry in ClinVar:

NM_004493.3(HSD17B10):c.772C>T (p.Arg258Cys)

Gene: HSD17B10 (hydroxysteroid 17-beta dehydrogenase 10; minus strand). Cytogenetic location: Xp11.22.
Variant type: single nucleotide variant.
Coding change: c.772C>T on transcript NM_004493.3 (MANE Select); coding-DNA position 772, C replaced by T.
Protein change: p.Arg258Cys; replaces arginine 258 with cysteine.
Molecular consequence: missense variant.
Genome position (GRCh38, 1-based): chrX:53,431,418, G>A on the plus strand (C>T on the coding strand, the complement: HSD17B10 is on the minus strand). VCF-style: chrX-53431418-G-A. GRCh37 (hg19) VCF-style: chrX-53458366-G-A.
Other names: c.745C>T, p.Arg249Cys (NM_001037811.2); short protein forms R249C, R258C.
Identifiers: ClinVar variation 1303697 (VCV001303697.3), dbSNP rs2146627549, ClinGen allele CA413149923.
Genomic context (GRCh38, chrX:53,431,418, plus strand): 5'-GGGAAAGGAAGGGCAGAGGAGCGTGTGTTTTCTCTGCCTTCTCCCTTCAAGGCTGCATAC[G>A]AATGGCCCCATCCAGCCGGATGACCTCTCCATTGAGGAATGGGTTCTCGATGATGGCCTG-3'
Protein context (NP_004484.1, residues 248-261): GEVIRLDGAI[Arg258Cys]MQP

ClinVar aggregate classification (germline): Uncertain significance (1 of 4 stars; one submission).

Submission:

GeneDx
Classification: Uncertain significance. Last evaluated: 2024-08-06. Review status: criteria provided, single submitter. Criteria: GeneDx Variant Classification Process June 2021. Collection method: clinical testing. Allele origin: germline. Affected: yes.
Comment: Not observed at significant frequency in large population cohorts (gnomAD); In silico analysis supports that this missense variant has a deleterious effect on protein structure/function; This variant is associated with the following publications: (PMID: 34490615)